The following is an entry in ClinVar:

ClinVar aggregate classification (germline): Benign/Likely benign. Review status: criteria provided, multiple submitters, no conflicts (2 of 4 stars). 5 submissions from 5 submitters: Benign (1); Likely benign (4). Last evaluated 2025-12-09.

Conditions:
Hereditary cancer-predisposing syndrome. Also called: Hereditary Cancer Syndrome; Tumor predisposition; Hereditary neoplastic syndrome; Neoplastic Syndromes, Hereditary. Identifiers: Orphanet 140162, MedGen C0027672, MeSH D009386, MONDO:0015356.
Familial adenomatous polyposis 1 (FAP1). Also called: FAMILIAL ADENOMATOUS POLYPOSIS 1, ATTENUATED; POLYPOSIS, ADENOMATOUS INTESTINAL. Identifiers: MedGen C2713442, MONDO:0021056, OMIM 175100. Disease mechanism: loss of function.

gnomAD v4.1: 1 of 1,613,670 alleles (0.000062%); highest among the groups gnomAD compares: Non-Finnish European, 0.000085%; no homozygotes.

Submissions (5):

Labcorp Genetics (formerly Invitae), Labcorp
Classification: Likely benign for Familial adenomatous polyposis 1. Last evaluated: 2025-12-09. Review status: criteria provided, single submitter. Criteria: Invitae Variant Classification Sherloc (09022015). Collection method: clinical testing. Allele origin: germline.

Myriad Genetics, Inc.
Classification: Benign for Familial adenomatous polyposis 1. Last evaluated: 2024-04-03. Review status: criteria provided, single submitter. Criteria: Myriad Autosomal Dominant, Autosomal Recessive and X-Linked Classification Criteria (2023). Collection method: clinical testing. Allele origin: unknown.
Comment: This variant is considered benign. This variant is a silent/synonymous amino acid change and it is not expected to impact splicing.

Blueprint Genetics
Classification: Likely benign. Last evaluated: 2024-02-06. Review status: criteria provided, single submitter. Criteria: ACMG Guidelines, 2015. Collection method: clinical testing. Allele origin: germline.

Ambry Genetics
Classification: Likely benign for Hereditary cancer-predisposing syndrome. Last evaluated: 2019-09-24. Review status: criteria provided, single submitter. Criteria: Ambry Variant Classification Scheme 2023. Collection method: clinical testing. Allele origin: germline.

GeneDx
Classification: Likely benign. Last evaluated: 2017-09-18. Review status: criteria provided, single submitter. Criteria: GeneDx Variant Classification (06012015). Collection method: clinical testing. Allele origin: germline. Affected: yes.
Comment: This variant is considered likely benign or benign based on one or more of the following criteria: it is a conservative change, it occurs at a poorly conserved position in the protein, it is predicted to be benign by multiple in silico algorithms, and/or has population frequency not consistent with disease.

NM_000038.6(APC):c.6132C>T (p.Ser2044=)

Gene: APC (APC regulator of Wnt signaling pathway; plus strand). Cytogenetic location: 5q22.2.
Variant type: single nucleotide variant.
Coding change: c.6132C>T on transcript NM_000038.6 (MANE Select); coding-DNA position 6132, C replaced by T.
Protein change: p.Ser2044=; no amino-acid change (serine 2044 retained).
Molecular consequence: synonymous variant.
Genome position (GRCh38, 1-based): chr5:112,841,726, C>T. VCF-style: chr5-112841726-C-T. GRCh37 (hg19) VCF-style: chr5-112177423-C-T.
Other names: c.6132C>T, p.Ser2044= (NM_001127510.3, NM_001354895.2); c.6078C>T, p.Ser2026= (NM_001127511.3); c.6186C>T, p.Ser2062= (NM_001354896.2); c.6162C>T, p.Ser2054= (NM_001354897.2); c.6057C>T, p.Ser2019= (NM_001354898.2); c.6048C>T, p.Ser2016= (NM_001354899.2); c.6009C>T, p.Ser2003= (NM_001354900.2); c.5955C>T, p.Ser1985= (NM_001354901.2); and 5 more.
Identifiers: ClinVar variation 517111 (VCV000517111.13), dbSNP rs1554087237, ClinGen allele CA446209067.
Genomic context (GRCh38, chr5:112,841,726, plus strand): 5'-CAGTTCTCTCAGTTCTCTTAGTATTGACTCTGAAGATGACCTGTTGCAGGAATGTATAAG[C>T]TCCGCAATGCCAAAAAAGAAAAAGCCTTCAAGACTCAAGGGTGATAATGAAAAACATAGT-3'
Protein context (NP_000029.2, residues 2034-2054): SEDDLLQECI[Ser2044=]SAMPKKKKPS